The following is an entry in ClinVar:

ClinVar aggregate classification (germline): Uncertain significance (1 of 4 stars; one submission).

Conditions:
Distal hereditary motor neuropathy type 2. Identifiers: Orphanet 139525, MedGen C3711384, MeSH C580044, MONDO:0015352.

Allele frequency attached by ClinVar (database versions not stated): gnomAD exomes below 0.00001.

Submission:

Labcorp Genetics (formerly Invitae), Labcorp
Classification: Uncertain significance for Distal hereditary motor neuropathy type 2. Last evaluated: 2021-09-22. Review status: criteria provided, single submitter. Criteria: Invitae Variant Classification Sherloc (09022015). Collection method: clinical testing. Allele origin: germline.
Comment: In summary, the available evidence is currently insufficient to determine the role of this variant in disease. Therefore, it has been classified as a Variant of Uncertain Significance. Algorithms developed to predict the effect of missense changes on protein structure and function are either unavailable or do not agree on the potential impact of this missense change (SIFT: "Deleterious"; PolyPhen-2: "Probably Damaging"; Align-GVGD: "Class C0"). This variant has not been reported in the literature in individuals affected with FBXO38-related conditions. This variant is not present in population databases (ExAC no frequency). This sequence change replaces histidine with tyrosine at codon 841 of the FBXO38 protein (p.His841Tyr). The histidine residue is highly conserved and there is a moderate physicochemical difference between histidine and tyrosine.

NM_205836.3(FBXO38):c.2746C>T (p.His916Tyr)

Gene: FBXO38 (F-box protein 38; plus strand). Cytogenetic location: 5q32.
Variant type: single nucleotide variant.
Coding change: c.2746C>T on transcript NM_205836.3 (MANE Select); coding-DNA position 2746, C replaced by T.
Protein change: p.His916Tyr; replaces histidine 916 with tyrosine.
Molecular consequence: missense variant.
Genome position (GRCh38, 1-based): chr5:148,433,516, C>T. VCF-style: chr5-148433516-C-T. GRCh37 (hg19) VCF-style: chr5-147813079-C-T.
Other names: c.2011C>T, p.His671Tyr (NM_001271723.2); c.2521C>T, p.His841Tyr (NM_030793.5); short protein forms H841Y, H916Y, H671Y.
Identifiers: ClinVar variation 1462665 (VCV001462665.6), dbSNP rs2113648332, ClinGen allele CA361659494.